The following is an entry in ClinVar:

ClinVar aggregate classification (germline): Uncertain significance (1 of 4 stars; one submission).

Conditions:
Dyskeratosis congenita. Identifiers: Orphanet 1775, MedGen C0265965, MONDO:0015780.

gnomAD v4.1: 1 of 1,613,948 alleles (0.000062%); highest among the groups gnomAD compares: Non-Finnish European, 0.000085%; no homozygotes.

Submission:

Labcorp Genetics (formerly Invitae), Labcorp
Classification: Uncertain significance for Dyskeratosis congenita. Last evaluated: 2023-01-13. Review status: criteria provided, single submitter. Criteria: Invitae Variant Classification Sherloc (09022015). Collection method: clinical testing. Allele origin: germline.
Comment: In summary, the available evidence is currently insufficient to determine the role of this variant in disease. Therefore, it has been classified as a Variant of Uncertain Significance. Advanced modeling of protein sequence and biophysical properties (such as structural, functional, and spatial information, amino acid conservation, physicochemical variation, residue mobility, and thermodynamic stability) performed at Invitae indicates that this missense variant is not expected to disrupt CTC1 protein function. This variant has not been reported in the literature in individuals affected with CTC1-related conditions. This variant is not present in population databases (gnomAD no frequency). This sequence change replaces isoleucine, which is neutral and non-polar, with valine, which is neutral and non-polar, at codon 246 of the CTC1 protein (p.Ile246Val).

NM_025099.6(CTC1):c.736A>G (p.Ile246Val)

Gene: CTC1 (CST telomere replication complex component 1; minus strand). Cytogenetic location: 17p13.1.
Variant type: single nucleotide variant.
Coding change: c.736A>G on transcript NM_025099.6 (MANE Select); coding-DNA position 736, A replaced by G.
Protein change: p.Ile246Val; replaces isoleucine 246 with valine.
Molecular consequence: missense variant.
Genome position (GRCh38, 1-based): chr17:8,237,431, T>C on the plus strand (A>G on the coding strand, the complement: CTC1 is on the minus strand). VCF-style: chr17-8237431-T-C. GRCh37 (hg19) VCF-style: chr17-8140749-T-C.
Other names: c.736A>G, p.Ile246Val (NM_001411067.1); short protein forms I246V.
Identifiers: ClinVar variation 2783181 (VCV002783181.3), dbSNP rs1030183723, ClinGen allele CA287538523.